The following is an entry in ClinVar:

NM_000051.4(ATM):c.6247G>C (p.Gly2083Arg)

Genes: ATM (ATM serine/threonine kinase; plus strand), C11orf65 (chromosome 11 open reading frame 65; minus strand). Cytogenetic location: 11q22.3.
Variant type: single nucleotide variant.
Coding change: c.6247G>C on transcript NM_000051.4 (MANE Select); coding-DNA position 6247, G replaced by C.
Protein change: p.Gly2083Arg; replaces glycine 2083 with arginine.
Molecular consequence: missense variant. On other transcripts: intron variant (2).
Genome position (GRCh38, 1-based): chr11:108,317,421, G>C. VCF-style: chr11-108317421-G-C. GRCh37 (hg19) VCF-style: chr11-108188148-G-C.
Other names: c.6247G>C, p.Gly2083Arg (NM_001351834.2); c.641-8350C>G (NM_001330368.2); c.*39-8350C>G (NM_001351110.2); short protein forms G2083R.
Identifiers: ClinVar variation 846503 (VCV000846503.10), dbSNP rs1060501586, ClinGen allele CA382551810.

ClinVar aggregate classification (germline): Uncertain significance (1 of 4 stars; one submission).

Conditions:
Ataxia-telangiectasia syndrome (AT). Also called: ATAXIA-TELANGIECTASIA, COMPLEMENTATION GROUP A; ATAXIA-TELANGIECTASIA, FRESNO VARIANT; Ataxia-telangiectasia; Ataxia-telangiectasia, complementation group D; AT, COMPLEMENTATION GROUP C; Ataxia-telangiectasia, complementation group E. Identifiers: Orphanet 100, MedGen C0004135, MONDO:0008840, OMIM 208900.

Submission:

Labcorp Genetics (formerly Invitae), Labcorp
Classification: Uncertain significance for Ataxia-telangiectasia syndrome. Last evaluated: 2019-01-11. Review status: criteria provided, single submitter. Criteria: Invitae Variant Classification Sherloc (09022015). Collection method: clinical testing. Allele origin: germline.
Comment: In summary, the available evidence is currently insufficient to determine the role of this variant in disease. Therefore, it has been classified as a Variant of Uncertain Significance. Algorithms developed to predict the effect of missense changes on protein structure and function (SIFT, PolyPhen-2, Align-GVGD) all suggest that this variant is likely to be disruptive, but these predictions have not been confirmed by published functional studies and their clinical significance is uncertain. This variant has not been reported in the literature in individuals with ATM-related conditions. This variant is not present in population databases (ExAC no frequency). This sequence change replaces glycine with arginine at codon 2083 of the ATM protein (p.Gly2083Arg). The glycine residue is highly conserved and there is a moderate physicochemical difference between glycine and arginine.